The following is an entry in ClinVar:

NM_177438.3(DICER1):c.5089A>C (p.Ile1697Leu)

Gene: DICER1 (dicer 1, ribonuclease III; minus strand). Cytogenetic location: 14q32.13.
Variant type: single nucleotide variant.
Coding change: c.5089A>C on transcript NM_177438.3 (MANE Select); coding-DNA position 5089, A replaced by C.
Protein change: p.Ile1697Leu; replaces isoleucine 1697 with leucine.
Molecular consequence: missense variant. On other transcripts: non-coding transcript variant (6).
Genome position (GRCh38, 1-based): chr14:95,095,831, T>G on the plus strand (A>C on the coding strand, the complement: DICER1 is on the minus strand). VCF-style: chr14-95095831-T-G. GRCh37 (hg19) VCF-style: chr14-95562168-T-G.
Other names: c.5089A>C, p.Ile1697Leu (NM_001195573.1, NM_001271282.3, NM_001291628.2 and 13 more transcripts); c.4807A>C, p.Ile1603Leu (NM_001395686.1); c.4684A>C, p.Ile1562Leu (NM_001395687.1, NM_001395688.1, NM_001395689.1 and 2 more transcripts); c.4522A>C, p.Ile1508Leu (NM_001395691.1); c.3406A>C, p.Ile1136Leu (NM_001395697.1); short protein forms I1562L, I1603L, I1508L, I1697L, I1136L.
Identifiers: ClinVar variation 2056981 (VCV002056981.4), dbSNP rs1457257809, ClinGen allele CA390865874.
Genomic context (GRCh38, chr14:95,095,831, plus strand): 5'-ATCAACACAAAGTCTCATTTTCCCAGAAATGAAGTCTGGTCGTGGGCTCCTTACCAGTGA[T>G]AGTATTGTAGTGGTAGGAGGCATGTGTAAAAGCCTGGAGAAGGTAAGCCTTATTCTTGAA-3'
Protein context (NP_803187.1, residues 1687-1707): FTHASYHYNT[Ile1697Leu]TDCYQRLEFL

ClinVar aggregate classification (germline): Uncertain significance (1 of 4 stars; one submission).

Conditions:
DICER1-related tumor predisposition. Also called: DICER1-related pleuropulmonary blastoma cancer predisposition syndrome; DICER1 syndrome. Identifiers: Orphanet 284343, MedGen C3839822, MONDO:0100216.

Submission:

Labcorp Genetics (formerly Invitae), Labcorp
Classification: Uncertain significance for DICER1-related tumor predisposition. Last evaluated: 2021-12-24. Review status: criteria provided, single submitter. Criteria: Invitae Variant Classification Sherloc (09022015). Collection method: clinical testing. Allele origin: germline.
Comment: This variant has not been reported in the literature in individuals affected with DICER1-related conditions. In summary, the available evidence is currently insufficient to determine the role of this variant in disease. Therefore, it has been classified as a Variant of Uncertain Significance. Algorithms developed to predict the effect of missense changes on protein structure and function (SIFT, PolyPhen-2, Align-GVGD) all suggest that this variant is likely to be tolerated. This variant is not present in population databases (gnomAD no frequency). This sequence change replaces isoleucine, which is neutral and non-polar, with leucine, which is neutral and non-polar, at codon 1697 of the DICER1 protein (p.Ile1697Leu).